The following is an entry in ClinVar:

NM_001437.3(ESR2):c.1185dup (p.Glu396fs)

Gene: ESR2 (estrogen receptor 2; minus strand). Cytogenetic location: 14q23.2.
Variant type: Duplication.
Coding change: c.1185dup on transcript NM_001437.3 (MANE Select); coding-DNA position 1185, one base duplicated (A; older notation c.1185dupA).
Protein change: p.Glu396fs; shifts the reading frame from glutamic acid 396.
Molecular consequence: frameshift variant. On other transcripts: non-coding transcript variant (2), intron variant (1).
Genome position (GRCh38, 1-based): chr14:64,249,586, T duplicated on the plus strand (A on the coding strand, the reverse complement: ESR2 is on the minus strand); the first of 3 consecutive T bases (chr14:64,249,586-64,249,588); duplicating any one gives the same sequence. VCF-style (leftmost placement, unchanged base first): chr14-64249585-C-CT. GRCh37 (hg19) VCF-style: chr14-64716303-C-CT.
Other names: c.1185dup, p.Glu396fs (NM_001040275.1, NM_001214902.1, NM_001271876.1 and 2 more transcripts); c.952+10863dup (NM_001271877.1); short protein forms E396fs.
Identifiers: ClinVar variation 1395581 (VCV001395581.6), dbSNP rs2140678484, ClinGen allele CA2573150023.

ClinVar aggregate classification (germline): Uncertain significance (1 of 4 stars; one submission).

Submission:

Labcorp Genetics (formerly Invitae), Labcorp
Classification: Uncertain significance. Last evaluated: 2021-05-17. Review status: criteria provided, single submitter. Criteria: Invitae Variant Classification Sherloc (09022015). Collection method: clinical testing. Allele origin: germline.
Comment: This variant is not present in population databases (ExAC no frequency). In summary, the available evidence is currently insufficient to determine the role of this variant in disease. Therefore, it has been classified as a Variant of Uncertain Significance. This variant has not been reported in the literature in individuals with ESR2-related conditions. This sequence change creates a premature translational stop signal (p.Glu396Argfs*26) in the ESR2 gene. It is expected to result in an absent or disrupted protein product. However, the current clinical and genetic evidence is not sufficient to establish whether loss-of-function variants in ESR2 cause disease.